The following is an entry in ClinVar:

ClinVar aggregate classification (germline): Uncertain significance (1 of 4 stars; one submission).

Conditions:
T-cell immunodeficiency, congenital alopecia, and nail dystrophy. Also called: Congenital alopecia and nail dystrophy associated with severe functional T-cell immunodeficiency; Pignata Guarino syndrome. Identifiers: Orphanet 169095, MedGen C1866426, MONDO:0011132, OMIM 601705.

Allele frequency attached by ClinVar (database versions not stated): ESP Exome Variant Server 0.00008.
gnomAD v4.1: 15 of 1,608,420 alleles (0.00093%); highest among the groups gnomAD compares: African/African-American, 0.017%; 1 homozygote.

Submission:

Labcorp Genetics (formerly Invitae), Labcorp
Classification: Uncertain significance for T-cell immunodeficiency, congenital alopecia, and nail dystrophy. Last evaluated: 2025-06-03. Review status: criteria provided, single submitter. Criteria: Invitae Variant Classification Sherloc (09022015). Collection method: clinical testing. Allele origin: germline.
Comment: This sequence change replaces proline, which is neutral and non-polar, with histidine, which is basic and polar, at codon 230 of the FOXN1 protein (p.Pro230His). This variant is present in population databases (rs368285745, gnomAD 0.03%). This variant has not been reported in the literature in individuals affected with FOXN1-related conditions. ClinVar contains an entry for this variant (Variation ID: 1494481). Invitae Evidence Modeling of protein sequence and biophysical properties (such as structural, functional, and spatial information, amino acid conservation, physicochemical variation, residue mobility, and thermodynamic stability) indicates that this missense variant is not expected to disrupt FOXN1 protein function with a negative predictive value of 80%. In summary, the available evidence is currently insufficient to determine the role of this variant in disease. Therefore, it has been classified as a Variant of Uncertain Significance.

NM_001369369.1(FOXN1):c.689C>A (p.Pro230His)

Gene: FOXN1 (forkhead box N1; plus strand). Cytogenetic location: 17q11.2.
Variant type: single nucleotide variant.
Coding change: c.689C>A on transcript NM_001369369.1 (MANE Select); coding-DNA position 689, C replaced by A.
Protein change: p.Pro230His; replaces proline 230 with histidine.
Molecular consequence: missense variant.
Genome position (GRCh38, 1-based): chr17:28,527,351, C>A. VCF-style: chr17-28527351-C-A. GRCh37 (hg19) VCF-style: chr17-26854369-C-A.
Other names: c.689C>A, p.Pro230His (NM_003593.3); short protein forms P230H.
Identifiers: ClinVar variation 1494481 (VCV001494481.4), dbSNP rs368285745, ClinGen allele CA8459293.